The following is an entry in ClinVar:

NM_000020.3(ACVRL1):c.598C>G (p.Arg200Gly)

Gene: ACVRL1 (activin A receptor like type 1; plus strand). Cytogenetic location: 12q13.13.
Variant type: single nucleotide variant.
Coding change: c.598C>G on transcript NM_000020.3 (MANE Select); coding-DNA position 598, C replaced by G.
Protein change: p.Arg200Gly; replaces arginine 200 with glycine.
Molecular consequence: missense variant.
Genome position (GRCh38, 1-based): chr12:51,914,046, C>G. VCF-style: chr12-51914046-C-G. GRCh37 (hg19) VCF-style: chr12-52307830-C-G.
Other names: c.598C>G, p.Arg200Gly (NM_001077401.2); short protein forms R200G.
Identifiers: ClinVar variation 931944 (VCV000931944.3), dbSNP rs999380946, ClinGen allele CA384899815.

ClinVar aggregate classification (germline): Pathogenic (1 of 4 stars; one submission).

Conditions:
Telangiectasia, hereditary hemorrhagic, type 2 (HHT2). Also called: Telangiectasia, hereditary hemorrhagic, type II; ACVRL1-Related Hereditary Hemorrhagic Telangiectasia. Identifiers: Orphanet 774, MedGen C1838163, MONDO:0010880, OMIM 600376. Disease mechanism: loss of function.

Submission:

Centre for Mendelian Genomics, University Medical Centre Ljubljana
Classification: Pathogenic for Telangiectasia, hereditary hemorrhagic, type 2. Last evaluated: 2016-01-01. Review status: criteria provided, single submitter. Criteria: ACMG Guidelines, 2015. Collection method: clinical testing. Allele origin: unknown. Affected: yes.
Comment: This variant was classified as: Pathogenic. The following ACMG criteria were applied in classifying this variant: PS1,PM1,PM2,PP2,PP3.